The following is an entry in ClinVar:

NM_003737.4(DCHS1):c.8627C>T (p.Ala2876Val)

Gene: DCHS1 (dachsous cadherin-related 1; minus strand). Cytogenetic location: 11p15.4.
Variant type: single nucleotide variant.
Coding change: c.8627C>T on transcript NM_003737.4 (MANE Select); coding-DNA position 8627, C replaced by T.
Protein change: p.Ala2876Val; replaces alanine 2876 with valine.
Molecular consequence: missense variant.
Genome position (GRCh38, 1-based): chr11:6,623,049, G>A on the plus strand (C>T on the coding strand, the complement: DCHS1 is on the minus strand). VCF-style: chr11-6623049-G-A. GRCh37 (hg19) VCF-style: chr11-6644280-G-A.
Other names: short protein forms A2876V.
Identifiers: ClinVar variation 4800471 (VCV004800471.1).
Genomic context (GRCh38, chr11:6,623,049, plus strand): 5'-CGTGGTGCTTCCCGCCGGGTCCGGCCCCCACCCCCAGAGGTGGCTGTTCCGCTGCCTGGT[G>A]CCCGACTGTCCACCCGCAGGTACAGGGCTCCTGTAGTCTGGTTAATACCAAAATAGGGGG-3'
Protein context (NP_003728.1, residues 2866-2886): GALYLRVDSR[Ala2876Val]PGSGTATSGG

ClinVar aggregate classification (germline): Uncertain significance (1 of 4 stars; one submission).

gnomAD v4.1: 4 of 1,577,258 alleles (0.00025%); highest among the groups gnomAD compares: Non-Finnish European, 0.00034%; no homozygotes.

Submission:

Labcorp Genetics (formerly Invitae), Labcorp
Classification: Uncertain significance. Last evaluated: 2025-12-30. Review status: criteria provided, single submitter. Criteria: Invitae Variant Classification Sherloc (09022015). Collection method: clinical testing. Allele origin: germline.
Comment: This sequence change replaces alanine, which is neutral and non-polar, with valine, which is neutral and non-polar, at codon 2876 of the DCHS1 protein (p.Ala2876Val). This variant is not present in population databases (gnomAD no frequency). This variant has not been reported in the literature in individuals affected with DCHS1-related conditions. Invitae Evidence Modeling of protein sequence and biophysical properties (such as structural, functional, and spatial information, amino acid conservation, physicochemical variation, residue mobility, and thermodynamic stability) indicates that this missense variant is not expected to disrupt DCHS1 protein function with a negative predictive value of 95%. In summary, the available evidence is currently insufficient to determine the role of this variant in disease. Therefore, it has been classified as a Variant of Uncertain Significance.